The following is an entry in ClinVar:

NM_130384.3(ATRIP):c.2090A>C (p.Gln697Pro)

Genes: ATRIP (ATR interacting protein; plus strand), ATRIP-TREX1 (ATRIP-TREX1 readthrough; plus strand). Cytogenetic location: 3p21.31.
Variant type: single nucleotide variant.
Coding change: c.2090A>C on transcript NM_130384.3 (MANE Select); coding-DNA position 2090, A replaced by C.
Protein change: p.Gln697Pro; replaces glutamine 697 with proline.
Molecular consequence: missense variant. On other transcripts: non-coding transcript variant (1).
Genome position (GRCh38, 1-based): chr3:48,464,865, A>C. VCF-style: chr3-48464865-A-C. GRCh37 (hg19) VCF-style: chr3-48506264-A-C.
Other names: c.1709A>C, p.Gln570Pro (NM_001271022.2); c.1811A>C, p.Gln604Pro (NM_001271023.2); c.2009A>C, p.Gln670Pro (NM_032166.4); short protein forms Q570P, Q604P, Q670P, Q697P.
Identifiers: ClinVar variation 3464583 (VCV003464583.1).

ClinVar aggregate classification (germline): Uncertain significance (1 of 4 stars; one submission).

Submission:

Ambry Genetics
Classification: Uncertain significance. Last evaluated: 2024-11-26. Review status: criteria provided, single submitter. Criteria: Ambry Variant Classification Scheme 2023. Collection method: clinical testing. Allele origin: germline.
Comment: The p.Q697P variant (also known as c.2090A>C), located in coding exon 12 of the ATRIP gene, results from an A to C substitution at nucleotide position 2090. The glutamine at codon 697 is replaced by proline, an amino acid with similar properties. This amino acid position is conserved. In addition, this alteration is predicted to be deleterious by in silico analysis. Based on the available evidence, the clinical significance of this variant remains unclear.